The following is an entry in ClinVar:

NM_000525.4(KCNJ11):c.730G>A (p.Val244Met)

Gene: KCNJ11 (potassium inwardly rectifying channel subfamily J member 11; minus strand). Cytogenetic location: 11p15.1.
Variant type: single nucleotide variant.
Coding change: c.730G>A on transcript NM_000525.4 (MANE Select); coding-DNA position 730, G replaced by A.
Protein change: p.Val244Met; replaces valine 244 with methionine.
Molecular consequence: missense variant.
Genome position (GRCh38, 1-based): chr11:17,387,362, C>T on the plus strand (G>A on the coding strand, the complement: KCNJ11 is on the minus strand). VCF-style: chr11-17387362-C-T. GRCh37 (hg19) VCF-style: chr11-17408909-C-T.
Other names: c.730G>A (NM_000525.3); c.469G>A, p.Val157Met (NM_001166290.2, NM_001377296.1, NM_001377297.1); short protein forms V244M, V157M.
Identifiers: ClinVar variation 3599281 (VCV003599281.5).
Genomic context (GRCh38, chr11:17,387,362, plus strand): 5'-TGGCATCAATGACATGGTAGATGATCAGCGGGGCCACCAGGAAGATGCTGTTGCCACCCA[C>T]GCCGTTCTCCATGGGGATGTCCACCTGGTGGAGGGGCACCACCTCGCCCTCGGGGCTGGT-3'
Protein context (NP_000516.3, residues 234-254): HQVDIPMENG[Val244Met]GGNSIFLVAP

ClinVar aggregate classification (germline): Uncertain significance. Review status: criteria provided, multiple submitters, no conflicts (2 of 4 stars). 4 submissions from 4 submitters: Uncertain significance (4). Last evaluated 2026-04-01.

Conditions:
Hereditary ataxia. Also called: Hereditary Ataxias. Identifiers: Orphanet 183518, MedGen C0004138, MONDO:0100309, MONDO:0000557.
Diabetes mellitus, transient neonatal, 3 (TNDM3). Identifiers: Orphanet 99886, MedGen C1864623, MONDO:0012522, OMIM 610582. Disease mechanism: loss of function.
Hyperinsulinemic hypoglycemia, familial, 2. Also called: HYPERINSULINEMIC HYPOGLYCEMIA, PERSISTENT; HYPERINSULINISM, NEONATAL. Identifiers: Orphanet 276580, Orphanet 276603, MedGen C2931833, MONDO:0011153, OMIM 601820. Disease mechanism: loss of function.
Diabetes mellitus, permanent neonatal 2. Also called: KCNJ11-Related Permanent Neonatal Diabetes Mellitus. Identifiers: MedGen C5394296, MONDO:0030087, OMIM 618856.
Maturity-onset diabetes of the young type 13. Also called: MODY, TYPE 13. Identifiers: Orphanet 552, MedGen C4225365, MONDO:0014589, OMIM 616329.
Type 2 diabetes mellitus. Also called: Type II diabetes mellitus. Identifiers: MedGen C0011860, MeSH D003924, MONDO:0005148, OMIM 125853, HP:0005978.

Submissions (4):

CeGaT Center for Human Genetics Tuebingen
Classification: Uncertain significance. Last evaluated: 2026-04-01. Review status: criteria provided, single submitter. Criteria: CeGaT Center For Human Genetics Tuebingen Variant Classification Criteria Version 2. Collection method: clinical testing. Allele origin: germline. Affected: yes. Observed: 1 variant allele.
Comment: KCNJ11: PM2

GeneDx
Classification: Uncertain significance. Last evaluated: 2025-08-15. Review status: criteria provided, single submitter. Criteria: GeneDx Variant Classification Process June 2021. Collection method: clinical testing. Allele origin: germline. Affected: yes.
Comment: In silico analysis suggests that this missense variant does not alter protein structure/function; Has not been previously published as pathogenic or benign to our knowledge

Fulgent Genetics
Classification: Uncertain significance for Type 2 diabetes mellitus; Hyperinsulinemic hypoglycemia, familial, 2; Diabetes mellitus, transient neonatal, 3; Maturity-onset diabetes of the young type 13; Diabetes mellitus, permanent neonatal 2. Last evaluated: 2024-02-17. Review status: criteria provided, single submitter. Criteria: ACMG Guidelines, 2015. Collection method: clinical testing. Allele origin: germline.

Cambridge Genomics Laboratory, East Genomic Laboratory Hub, NHS Genomic Medicine Service
Classification: Uncertain significance for Hereditary ataxia. Last evaluated: 2019-11-13. Review status: criteria provided, single submitter. Criteria: ACGS Best Practice Guidelines for Variant Classification in Rare Disease 2020. Collection method: clinical testing. Allele origin: germline. Affected: yes. Observed: 1 variant allele.